The following is an entry in ClinVar:

ClinVar aggregate classification (germline): Uncertain significance (1 of 4 stars; one submission).

gnomAD v4.1: 9 of 1,613,974 alleles (0.00056%); highest among the groups gnomAD compares: Non-Finnish European, 0.00076%; no homozygotes.

Submission:

Labcorp Genetics (formerly Invitae), Labcorp
Classification: Uncertain significance. Last evaluated: 2025-09-21. Review status: criteria provided, single submitter. Criteria: Invitae Variant Classification Sherloc (09022015). Collection method: clinical testing. Allele origin: germline.
Comment: This sequence change replaces proline, which is neutral and non-polar, with alanine, which is neutral and non-polar, at codon 228 of the POLR1A protein (p.Pro228Ala). This variant is present in population databases (rs529685613, gnomAD 0.002%). This variant has not been reported in the literature in individuals affected with POLR1A-related conditions. Invitae Evidence Modeling of protein sequence and biophysical properties (such as structural, functional, and spatial information, amino acid conservation, physicochemical variation, residue mobility, and thermodynamic stability) indicates that this missense variant is not expected to disrupt POLR1A protein function with a negative predictive value of 80%. In summary, the available evidence is currently insufficient to determine the role of this variant in disease. Therefore, it has been classified as a Variant of Uncertain Significance.

NM_015425.6(POLR1A):c.682C>G (p.Pro228Ala)

Gene: POLR1A (RNA polymerase I subunit A; minus strand). Cytogenetic location: 2p11.2.
Variant type: single nucleotide variant.
Coding change: c.682C>G on transcript NM_015425.6 (MANE Select); coding-DNA position 682, C replaced by G.
Protein change: p.Pro228Ala; replaces proline 228 with alanine.
Molecular consequence: missense variant.
Genome position (GRCh38, 1-based): chr2:86,088,614, G>C on the plus strand (C>G on the coding strand, the complement: POLR1A is on the minus strand). VCF-style: chr2-86088614-G-C. GRCh37 (hg19) VCF-style: chr2-86315737-G-C.
Other names: short protein forms P228A.
Identifiers: ClinVar variation 4769195 (VCV004769195.1).
Genomic context (GRCh38, chr2:86,088,614, plus strand): 5'-CAGCCTGCTCACCCAGGGGCTCAGAGTCCTTCTGGCCAGCTGTCCTGTGCACCATGGCTG[G>C]AAACGTGATAGTCAACTTGCTGTTGTGTTCCTTTCGGACAACGGATCGCCCGGTCCTGTG-3'
Protein context (NP_056240.2, residues 218-238): EHNSKLTITF[Pro228Ala]AMVHRTAGQK